The following is an entry in ClinVar:

NM_015692.5(CPAMD8):c.3787-3C>T

Gene: CPAMD8 (C3 and PZP like alpha-2-macroglobulin domain containing 8; minus strand). Cytogenetic location: 19p13.11.
Variant type: single nucleotide variant.
Coding change: c.3787-3C>T on transcript NM_015692.5 (MANE Select); 3 bases into the intron before coding-DNA position 3787, C replaced by T.
Molecular consequence: intron variant.
Genome position (GRCh38, 1-based): chr19:16,914,501, G>A on the plus strand (C>T on the coding strand, the complement: CPAMD8 is on the minus strand). VCF-style: chr19-16914501-G-A. GRCh37 (hg19) VCF-style: chr19-17025311-G-A.
Other names: c.3928-3C>T (NM_015692.2).
Identifiers: ClinVar variation 1271141 (VCV001271141.13), dbSNP rs45485597, ClinGen allele CA9284842.

ClinVar aggregate classification (germline): Benign. Review status: criteria provided, multiple submitters, no conflicts (2 of 4 stars). 4 submissions from 4 submitters: Benign (3). 1 of the submissions does not count toward it. Last evaluated 2026-02-01.

Conditions:
CPAMD8-related disorder. Also called: CPAMD8-related condition.

Allele frequency attached by ClinVar (database versions not stated): gnomAD exomes 0.06642 and 0.07656; ExAC 0.08169; gnomAD 0.13214 and 0.13645; ESP Exome Variant Server 0.13738; 1000 Genomes Project 0.14257; TOPMed 0.14278; 1000 Genomes Project 30x 0.14616.
gnomAD v4.1: 117,787 of 1,613,372 alleles (7.3%); highest among the groups gnomAD compares: African/African-American, 33%; 7,630 homozygotes.

Submissions (9):

Labcorp Genetics (formerly Invitae), Labcorp
Classification: Benign. Last evaluated: 2026-02-01. Review status: criteria provided, single submitter. Criteria: Invitae Variant Classification Sherloc (09022015). Collection method: clinical testing. Allele origin: germline.

GeneDx
Classification: Benign. Last evaluated: 2021-05-04. Review status: criteria provided, single submitter. Criteria: GeneDx Variant Classification Process June 2021. Collection method: clinical testing. Allele origin: germline. Affected: yes.

Breakthrough Genomics
Classification: Benign. Review status: criteria provided, single submitter. Criteria: ACMG Guidelines, 2015. Collection method: not provided. Allele origin: germline. Inheritance: Autosomal recessive inheritance. Affected: yes.

PreventionGenetics, part of Exact Sciences
Classification: Benign for CPAMD8-related condition. Last evaluated: 2019-12-12. Review status: no assertion criteria provided. Collection method: clinical testing. Allele origin: germline. Not counted in ClinVar's aggregate classification.
Comment: This variant is classified as benign based on ACMG/AMP sequence variant interpretation guidelines (Richards et al. 2015 PMID: 25741868, with internal and published modifications).

Dr. Peter K. Rogan Lab, Western University
No classification provided (evidence only). Condition: Nonpapillary renal cell carcinoma. Review status: no classification provided. Collection method: in vitro. Allele origin: not applicable. Functional consequence: retained intron. Not counted in ClinVar's aggregate classification.

Dr. Peter K. Rogan Lab, Western University
No classification provided (evidence only). Condition: Thymoma. Review status: no classification provided. Collection method: in vitro. Allele origin: not applicable. Functional consequence: retained intron. Not counted in ClinVar's aggregate classification.

Dr. Peter K. Rogan Lab, Western University
No classification provided (evidence only). Condition: Thymoma. Review status: no classification provided. Collection method: in vitro. Allele origin: not applicable. Functional consequence: skipped exon. Not counted in ClinVar's aggregate classification.

Dr. Peter K. Rogan Lab, Western University
No classification provided (evidence only). Condition: Uterine carcinosarcoma. Review status: no classification provided. Collection method: in vitro. Allele origin: not applicable. Functional consequence: retained intron. Not counted in ClinVar's aggregate classification.

Dr. Peter K. Rogan Lab, Western University
No classification provided (evidence only). Condition: Uveal melanoma. Review status: no classification provided. Collection method: in vitro. Allele origin: not applicable. Functional consequence: skipped exon, retained intron. Not counted in ClinVar's aggregate classification.